The following is an entry in ClinVar:

ClinVar aggregate classification (germline): Uncertain significance. Review status: criteria provided, multiple submitters, no conflicts (2 of 4 stars). 4 submissions from 4 submitters: Uncertain significance (4). Last evaluated 2025-06-22.

Conditions:
POLD1-related polyposis and colorectal cancer syndrome (CRCS10). Also called: Colorectal cancer, susceptibility to, 10; Colorectal cancer 10; COLORECTAL CANCER, SUSCEPTIBILITY TO, ON CHROMOSOME 19q. Identifiers: Orphanet 220460, MedGen C2675481, MONDO:0012953, OMIM 612591.
Hereditary cancer-predisposing syndrome. Also called: Hereditary neoplastic syndrome; Tumor predisposition; Hereditary Cancer Syndrome; Neoplastic Syndromes, Hereditary. Identifiers: Orphanet 140162, MedGen C0027672, MeSH D009386, MONDO:0015356.

Allele frequency attached by ClinVar (database versions not stated): gnomAD 0.00001; gnomAD exomes 0.00001.
gnomAD v4.1: 4 of 1,606,202 alleles (0.00025%); highest among the groups gnomAD compares: Admixed American, 0.0017%; no homozygotes.

Submissions (4):

Ambry Genetics
Classification: Uncertain significance for Hereditary cancer-predisposing syndrome. Last evaluated: 2025-06-22. Review status: criteria provided, single submitter. Criteria: Ambry Variant Classification Scheme 2023. Collection method: clinical testing. Allele origin: germline.
Comment: The p.R1053H variant (also known as c.3158G>A), located in coding exon 25 of the POLD1 gene, results from a G to A substitution at nucleotide position 3158. The arginine at codon 1053 is replaced by histidine, an amino acid with highly similar properties. This amino acid position is conserved. In addition, this alteration is predicted to be tolerated by in silico analysis. Since supporting evidence is limited at this time, the clinical significance of this alteration remains unclear.

GeneDx
Classification: Uncertain significance. Last evaluated: 2024-12-26. Review status: criteria provided, single submitter. Criteria: GeneDx Variant Classification Process June 2021. Collection method: clinical testing. Allele origin: germline. Affected: yes.
Comment: Not observed at significant frequency in large population cohorts (gnomAD); In silico analysis supports that this missense variant has a deleterious effect on protein structure/function; Has not been previously published as pathogenic or benign to our knowledge; This variant is associated with the following publications: (PMID: 19296856)

Labcorp Genetics (formerly Invitae), Labcorp
Classification: Uncertain significance for POLD1-related polyposis and colorectal cancer syndrome. Last evaluated: 2024-01-05. Review status: criteria provided, single submitter. Criteria: Invitae Variant Classification Sherloc (09022015). Collection method: clinical testing. Allele origin: germline.
Comment: This sequence change replaces arginine, which is basic and polar, with histidine, which is basic and polar, at codon 1053 of the POLD1 protein (p.Arg1053His). The frequency data for this variant in the population databases is considered unreliable, as metrics indicate poor data quality at this position in the gnomAD database. This variant has not been reported in the literature in individuals affected with POLD1-related conditions. ClinVar contains an entry for this variant (Variation ID: 653488). Advanced modeling of protein sequence and biophysical properties (such as structural, functional, and spatial information, amino acid conservation, physicochemical variation, residue mobility, and thermodynamic stability) performed at Invitae indicates that this missense variant is not expected to disrupt POLD1 protein function with a negative predictive value of 80%. In summary, the available evidence is currently insufficient to determine the role of this variant in disease. Therefore, it has been classified as a Variant of Uncertain Significance.

KCCC/NGS Laboratory, Kuwait Cancer Control Center
Classification: Uncertain significance for POLD1-related polyposis and colorectal cancer syndrome. Last evaluated: 2023-07-07. Review status: criteria provided, single submitter. Criteria: ACMG Guidelines, 2015. Collection method: clinical testing. Allele origin: unknown. Affected: yes.
Comment: For the POLD1 variant, the sequence change replaces arginine with histidine at codon 1053 of the POLD1 protein (p.Arg1053His). The arginine residue is highly conserved and there is a small physicochemical difference between arginine and histidine. This variant is present in population databases (ExAC frequency 0.004%). This variant has not been reported in the literature in individuals with POLD1-related disease. In-silico simulator softwares to predict the effect of missense changes on protein structure and function showed (SIFT: deleterious; PolyPhen-2: probably damaging). Therefore, it has been classified as a Variant of Uncertain Significance.

NM_002691.4(POLD1):c.3158G>A (p.Arg1053His)

Gene: POLD1 (DNA polymerase delta 1, catalytic subunit; plus strand). Cytogenetic location: 19q13.33.
Variant type: single nucleotide variant.
Coding change: c.3158G>A on transcript NM_002691.4 (MANE Select); coding-DNA position 3158, G replaced by A.
Protein change: p.Arg1053His; replaces arginine 1053 with histidine.
Molecular consequence: missense variant. On other transcripts: non-coding transcript variant (1).
Genome position (GRCh38, 1-based): chr19:50,417,209, G>A. VCF-style: chr19-50417209-G-A. GRCh37 (hg19) VCF-style: chr19-50920466-G-A.
Other names: c.3158G>A, p.Arg1053His (NM_001256849.1); c.3236G>A, p.Arg1079His (NM_001308632.1); c.3158G>A (NM_002691.2); short protein forms R1053H, R1079H.
Identifiers: ClinVar variation 653488 (VCV000653488.16), dbSNP rs980793204, ClinGen allele CA309605624.